The following is an entry in ClinVar:

ClinVar aggregate classification (germline): Conflicting classifications of pathogenicity. Review status: criteria provided, conflicting classifications (1 of 4 stars). 2 submissions from 2 submitters: Likely pathogenic (1); Uncertain significance (1). Last evaluated 2024-06-11.

Conditions:
Pseudo-Hurler polydystrophy. Also called: ML III; ML III ALPHA/BETA; MUCOLIPIDOSIS IIIA; Type III Mucolipidosis; ML IIIA; Mucolipidosis III Alpha/Beta. Identifiers: Orphanet 423461, Orphanet 577, MedGen C0033788, MONDO:0018931, OMIM 252600.
Mucolipidosis type II. Also called: ML II ALPHA/BETA; Mucolipidosis II Alpha/Beta; Mucolipidosis 2; ML 2; Inclusion cell disease; Leroy Disease. Identifiers: Orphanet 576, MedGen C2673377, MONDO:0009650, OMIM 252500.

Allele frequency attached by ClinVar (database versions not stated): TOPMed below 0.00001; gnomAD 0.00001; gnomAD exomes below 0.00001.
gnomAD v4.1: 8 of 1,543,050 alleles (0.00052%); highest among the groups gnomAD compares: Non-Finnish European, 0.00063%; no homozygotes.

Submissions (2):

Fulgent Genetics
Classification: Likely pathogenic for Mucolipidosis type II; Pseudo-Hurler polydystrophy. Last evaluated: 2024-06-11. Review status: criteria provided, single submitter. Criteria: ACMG Guidelines, 2015. Collection method: clinical testing. Allele origin: germline.

Women's Health and Genetics/Laboratory Corporation of America, LabCorp
Classification: Uncertain significance. Last evaluated: 2022-03-01. Review status: criteria provided, single submitter. Criteria: LabCorp Variant Classification Summary - May 2015. Collection method: clinical testing. Allele origin: germline.
Comment: Variant summary: GNPTAB c.3694-1G>A is located in a canonical splice-site within the last intron of the gene and is predicted to affect mRNA splicing resulting in a significantly altered protein due to either exon skipping, shortening, or inclusion of intronic material. Several computational tools predict a significant impact on normal splicing: Four predict the variant abolishes a 3' prime acceptor site. However, these predictions have yet to be confirmed by functional studies. A premature truncation in the last exon of GNPTAB (c.3663delG, p.Met1221IlefsX12) has been reported in the literature in at least one individual affected with Mucolipidosis and has been classified as likely pathogenic via internal testing. The variant allele was found at a frequency of 4e-06 in 250966 control chromosomes (gnomAD). c.3694-1G>A has been reported in the literature as a secondary finding in a heterozygous individual affected with intellectual disability (Gieldon_2018). This report does not provide unequivocal conclusions about association of the variant with Mucolipidosis. To our knowledge, no experimental evidence demonstrating an impact on protein function has been reported. No clinical diagnostic laboratories have submitted clinical-significance assessments for this variant to ClinVar after 2014. A different variant at the same nucleotide position (c.3694-1G>C) is cited as VUS in ClinVar by one submitter (Variation ID: 556345). Based on the evidence outlined above, the variant was classified as VUS-possibly pathogenic.

Literature cited by the submitters: PubMed 30091983 (cited by Women's Health and Genetics/Laboratory Corporation of America, LabCorp).

NM_024312.5(GNPTAB):c.3694-1G>A

Gene: GNPTAB (N-acetylglucosamine-1-phosphate transferase subunits alpha and beta; minus strand). Cytogenetic location: 12q23.2.
Variant type: single nucleotide variant.
Coding change: c.3694-1G>A on transcript NM_024312.5 (MANE Select); the canonical splice acceptor site of the intron before coding-DNA position 3694, G replaced by A.
Molecular consequence: splice acceptor variant.
Genome position (GRCh38, 1-based): chr12:101,747,242, C>T on the plus strand (G>A on the coding strand, the complement: GNPTAB is on the minus strand). VCF-style: chr12-101747242-C-T. GRCh37 (hg19) VCF-style: chr12-102141020-C-T.
Identifiers: ClinVar variation 1677058 (VCV001677058.2), dbSNP rs1297022622, ClinGen allele CA386291524.